The following is an entry in ClinVar:

ClinVar aggregate classification (germline): Likely benign (0 of 4 stars; one submission).

Conditions:
KMT2D-related disorder. Also called: KMT2D-Related Disorders.

Allele frequency attached by ClinVar (database versions not stated): gnomAD 0.00001.
gnomAD v4.1: 2 of 1,613,828 alleles (0.00012%); highest among the groups gnomAD compares: African/African-American, 0.0027%; no homozygotes.

Submission:

PreventionGenetics, part of Exact Sciences
Classification: Likely benign for KMT2D-related condition. Last evaluated: 2021-04-01. Review status: no assertion criteria provided. Collection method: clinical testing. Allele origin: germline.
Comment: This variant is classified as likely benign based on ACMG/AMP sequence variant interpretation guidelines (Richards et al. 2015 PMID: 25741868, with internal and published modifications).

NM_003482.4(KMT2D):c.14516-10C>T

Gene: KMT2D (lysine methyltransferase 2D; minus strand). Cytogenetic location: 12q13.12.
Variant type: single nucleotide variant.
Coding change: c.14516-10C>T on transcript NM_003482.4 (MANE Select); 10 bases into the intron before coding-DNA position 14516, C replaced by T.
Molecular consequence: intron variant.
Genome position (GRCh38, 1-based): chr12:49,027,940, G>A on the plus strand (C>T on the coding strand, the complement: KMT2D is on the minus strand). VCF-style: chr12-49027940-G-A. GRCh37 (hg19) VCF-style: chr12-49421723-G-A.
Identifiers: ClinVar variation 3054201 (VCV003054201.2), dbSNP rs1241809801, ClinGen allele CA947435566.